The following is an entry in ClinVar:

NM_024408.4(NOTCH2):c.7390C>T (p.His2464Tyr)

Gene: NOTCH2 (notch receptor 2; minus strand). Cytogenetic location: 1p12.
Variant type: single nucleotide variant.
Coding change: c.7390C>T on transcript NM_024408.4 (MANE Select); coding-DNA position 7390, C replaced by T.
Protein change: p.His2464Tyr; replaces histidine 2464 with tyrosine.
Molecular consequence: missense variant.
Genome position (GRCh38, 1-based): chr1:119,915,332, G>A on the plus strand (C>T on the coding strand, the complement: NOTCH2 is on the minus strand). VCF-style: chr1-119915332-G-A. GRCh37 (hg19) VCF-style: chr1-120457955-G-A.
Other names: short protein forms H2464Y.
Identifiers: ClinVar variation 2746569 (VCV002746569.3), dbSNP rs1360394263, ClinGen allele CA341871319.

ClinVar aggregate classification (germline): Uncertain significance (1 of 4 stars; one submission).

Conditions:
Hajdu-Cheney syndrome (HJCYS). Also called: SERPENTINE FIBULA-POLYCYSTIC KIDNEY SYNDROME; Acroosteolysis dominant type; ACROOSTEOLYSIS WITH OSTEOPOROSIS AND CHANGES IN SKULL AND MANDIBLE. Identifiers: Orphanet 955, MedGen C0917715, MONDO:0007057, OMIM 102500.

Allele frequency attached by ClinVar (database versions not stated): gnomAD 0.00001; TOPMed below 0.00001.

Submission:

Labcorp Genetics (formerly Invitae), Labcorp
Classification: Uncertain significance for Hajdu-Cheney syndrome. Last evaluated: 2025-12-09. Review status: criteria provided, single submitter. Criteria: Invitae Variant Classification Sherloc (09022015). Collection method: clinical testing. Allele origin: germline.
Comment: This sequence change replaces histidine, which is basic and polar, with tyrosine, which is neutral and polar, at codon 2464 of the NOTCH2 protein (p.His2464Tyr). This variant is not present in population databases (gnomAD no frequency). This variant has not been reported in the literature in individuals affected with NOTCH2-related conditions. ClinVar contains an entry for this variant (Variation ID: 2746569). Invitae Evidence Modeling of protein sequence and biophysical properties (such as structural, functional, and spatial information, amino acid conservation, physicochemical variation, residue mobility, and thermodynamic stability) indicates that this missense variant is not expected to disrupt NOTCH2 protein function with a negative predictive value of 95%. In summary, the available evidence is currently insufficient to determine the role of this variant in disease. Therefore, it has been classified as a Variant of Uncertain Significance.